The following is an entry in ClinVar:

ClinVar aggregate classification (germline): Uncertain significance (1 of 4 stars; one submission).

Submission:

Labcorp Genetics (formerly Invitae), Labcorp
Classification: Uncertain significance. Last evaluated: 2025-01-06. Review status: criteria provided, single submitter. Criteria: Invitae Variant Classification Sherloc (09022015). Collection method: clinical testing. Allele origin: germline.
Comment: This variant, c.4671_4679dup, results in the insertion of 3 amino acid(s) of the TCF20 protein (p.Pro1559_Pro1561dup), but otherwise preserves the integrity of the reading frame. This variant is present in population databases (rs762662677, gnomAD 0.009%). This variant has not been reported in the literature in individuals affected with TCF20-related conditions. In summary, the available evidence is currently insufficient to determine the role of this variant in disease. Therefore, it has been classified as a Variant of Uncertain Significance.

NM_001378418.1(TCF20):c.4671_4679dup (p.Pro1561_Gln1562insProProPro)

Gene: TCF20 (transcription factor 20; minus strand). Cytogenetic location: 22q13.2.
Variant type: Duplication.
Coding change: c.4671_4679dup on transcript NM_001378418.1 (MANE Select); coding-DNA positions 4671 to 4679, 9 bases duplicated (GCCTCCACC; older notation c.4671_4679dupGCCTCCACC).
Protein change: p.Pro1561_Gln1562insProProPro.
Genome position (GRCh38, 1-based): chr22:42,210,627-42,210,635, GGTGGAGGC duplicated on the plus strand (GCCTCCACC on the coding strand, the reverse complement: TCF20 is on the minus strand); duplicating any 9 consecutive bases within chr22:42,210,627-42,210,640 gives the same sequence; the c. name uses the placement nearest the transcript's 3' end. VCF-style (leftmost placement, unchanged base first): chr22-42210626-G-GGGTGGAGGC. GRCh37 (hg19) VCF-style: chr22-42606632-G-GGGTGGAGGC.
Other names: c.4671_4679dup, p.Pro1561_Gln1562insProProPro (NM_005650.4, NM_181492.3).
Identifiers: ClinVar variation 3632740 (VCV003632740.1).